The following is an entry in ClinVar:

ClinVar aggregate classification (germline): Pathogenic (1 of 4 stars; one submission).

Conditions:
Complement component 3 deficiency. Identifiers: Orphanet 280133, MedGen C3151071, MONDO:0013417, OMIM 613779.

Submission:

Genomenon, Inc
Classification: Pathogenic for Complement component 3 deficiency. Last evaluated: 2025-09-30. Review status: criteria provided, single submitter. Criteria: Genomenon Sequence Variant Interpretation Standards. Collection method: curation. Allele origin: germline. Affected: yes.
Comment: C3 p.Val899AlafsTer5 (c.2696del) is a frameshift variant that results in the production of a truncated protein which is predicted to undergo nonsense-mediated mRNA decay. This variant has been observed in at least one proband affected with C3 deficiency (PMID:23963626). It is absent or not present at a significant frequency in gnomAD. In conclusion, we classify C3 p.Val899AlafsTer5 (c.2696del) as a pathogenic variant.

Literature cited by the submitters: PubMed 23963626.

NM_000064.4(C3):c.2696del (p.Val899fs)

Gene: C3 (complement C3; minus strand). Cytogenetic location: 19p13.3.
Variant type: Deletion.
Coding change: c.2696del on transcript NM_000064.4 (MANE Select); coding-DNA position 2696, one base deleted (T; older notation c.2696delT).
Protein change: p.Val899fs; shifts the reading frame from valine 899.
Molecular consequence: frameshift variant.
Genome position (GRCh38, 1-based): chr19:6,697,444, A deleted on the plus strand (T on the coding strand, the reverse complement: C3 is on the minus strand). VCF-style (leftmost placement, unchanged base first): chr19-6697443-GA-G. GRCh37 (hg19) VCF-style: chr19-6697454-GA-G.
Other names: short protein forms V899fs.
Identifiers: ClinVar variation 4280170 (VCV004280170.1).
Genomic context (GRCh38, chr19:6,697,443, plus strand): 5'-ATGATGGTAGACAGCAGCCTTGACTTCCACTTCCTGCAGGCCGGTCTTTAGCGGCACGAT[GA>G]CATATGGAACGGACAACGAGGACTTGGGGGGGATGGTTACGGTCTGCTGGTGACGCCTCT-3'